The following is an entry in ClinVar:

NM_007272.3(CTRC):c.-1C>T

Gene: CTRC (chymotrypsin C; plus strand). Cytogenetic location: 1p36.21.
Variant type: single nucleotide variant.
Coding change: c.-1C>T on transcript NM_007272.3 (MANE Select); 1 bases upstream of the start codon, C replaced by T.
Molecular consequence: 5 prime UTR variant.
Genome position (GRCh38, 1-based): chr1:15,438,464, C>T. VCF-style: chr1-15438464-C-T. GRCh37 (hg19) VCF-style: chr1-15764960-C-T.
Identifiers: ClinVar variation 1784194 (VCV001784194.3), dbSNP rs1195152458, ClinGen allele CA521277734.

ClinVar aggregate classification (germline): Uncertain significance (1 of 4 stars; one submission).

Conditions:
Hereditary pancreatitis (PCTT). Also called: Hereditary chronic pancreatitis; PRSS1-Related Hereditary Pancreatitis. Identifiers: Orphanet 676, MedGen C0238339, MONDO:0008185, OMIM 167800.

Allele frequency attached by ClinVar (database versions not stated): gnomAD 0.00002; gnomAD exomes 0.00002.
gnomAD v4.1: 25 of 1,614,044 alleles (0.0015%); highest among the groups gnomAD compares: South Asian, 0.027%; no homozygotes.

Submission:

Ambry Genetics
Classification: Uncertain significance for Hereditary pancreatitis. Last evaluated: 2025-01-17. Review status: criteria provided, single submitter. Criteria: Ambry Variant Classification Scheme 2023. Collection method: clinical testing. Allele origin: germline.
Comment: The c.-1C>T variant is located in the 5' untranslated region (5&rsquo; UTR) of the CTRC gene. This variant results from a C to T substitution 1 bases upstream from the first translated codon. This alteration was detected in one individual with chronic pancreatitis; however, clinical details were limited (Zhou J et al. J Gastroenterol Hepatol, 2011 Aug;26:1238-46). Based on nucleotide sequence alignment, this nucleotide position is well conserved in available vertebrate species. Based on the available evidence, the clinical significance of this variant remains unclear.

Literature cited by the submitters: PubMed 21631589.